The following is an entry in ClinVar:

ClinVar aggregate classification (germline): Benign. Review status: criteria provided, multiple submitters, no conflicts (2 of 4 stars). 2 submissions from 2 submitters: Benign (2). Last evaluated 2018-06-14.

Allele frequency attached by ClinVar (database versions not stated): TOPMed 0.58133; gnomAD 0.58206 and 0.59614; 1000 Genomes Project 30x 0.63023; 1000 Genomes Project 0.63898.
gnomAD v4.1: 803,440 of 1,160,478 alleles (69%); highest among the groups gnomAD compares: East Asian, 92%; 285,780 homozygotes.

Submissions (2):

GeneDx
Classification: Benign. Last evaluated: 2018-06-14. Review status: criteria provided, single submitter. Criteria: GeneDx Variant Classification (06012015). Collection method: clinical testing. Allele origin: germline. Affected: yes.
Comment: This variant is considered likely benign or benign based on one or more of the following criteria: it is a conservative change, it occurs at a poorly conserved position in the protein, it is predicted to be benign by multiple in silico algorithms, and/or has population frequency not consistent with disease.

Breakthrough Genomics
Classification: Benign. Review status: criteria provided, single submitter. Criteria: ACMG Guidelines, 2015. Collection method: not provided. Allele origin: germline. Inheritance: Autosomal recessive inheritance. Affected: yes.

NM_001854.4(COL11A1):c.1351-76G>A

Gene: COL11A1 (collagen type XI alpha 1 chain; minus strand). Cytogenetic location: 1p21.1.
Variant type: single nucleotide variant.
Coding change: c.1351-76G>A on transcript NM_001854.4 (MANE Select); 76 bases into the intron before coding-DNA position 1351, G replaced by A.
Molecular consequence: intron variant.
Genome position (GRCh38, 1-based): chr1:103,017,958, C>T on the plus strand (G>A on the coding strand, the complement: COL11A1 is on the minus strand). VCF-style: chr1-103017958-C-T. GRCh37 (hg19) VCF-style: chr1-103483514-C-T.
Other names: c.1234-76G>A (NM_001190709.2); c.1387-76G>A (NM_080629.3); c.1003-76G>A (NM_080630.4).
Identifiers: ClinVar variation 674750 (VCV000674750.2), dbSNP rs945748, ClinGen allele CA10905902.